The following is an entry in ClinVar:

ClinVar aggregate classification (germline): Uncertain significance (1 of 4 stars; one submission).

Conditions:
Thrombocytopenia 1. Also called: THROMBOCYTOPENIA, X-LINKED, 1; X-Linked Thrombocytopenia (XLT); X-linked thrombocytopenia with normal platelets. Identifiers: Orphanet 268322, Orphanet 852, MedGen C1839163, MONDO:0010743, OMIM 313900.
Wiskott-Aldrich syndrome (WAS). Also called: Wiskott-aldrich syndrome, somatic; ALDRICH SYNDROME; IMMUNODEFICIENCY 2; WISKOTT-ALDRICH SYNDROME 1. Identifiers: Orphanet 906, MedGen C0043194, MONDO:0010518, OMIM 301000.
X-linked severe congenital neutropenia (SCNX). Identifiers: Orphanet 86788, MedGen C1845987, MONDO:0010294, OMIM 300299.

gnomAD v4.1: 2 of 1,200,503 alleles (0.00017%); highest among the groups gnomAD compares: Non-Finnish European, 0.00022%; no homozygotes.

Submission:

Labcorp Genetics (formerly Invitae), Labcorp
Classification: Uncertain significance for Wiskott-Aldrich syndrome; X-linked severe congenital neutropenia; Thrombocytopenia 1. Last evaluated: 2024-04-19. Review status: criteria provided, single submitter. Criteria: Invitae Variant Classification Sherloc (09022015). Collection method: clinical testing. Allele origin: germline.
Comment: This sequence change replaces proline, which is neutral and non-polar, with arginine, which is basic and polar, at codon 112 of the WAS protein (p.Pro112Arg). This variant is not present in population databases (gnomAD no frequency). This variant has not been reported in the literature in individuals affected with WAS-related conditions. ClinVar contains an entry for this variant (Variation ID: 2179171). Advanced modeling of protein sequence and biophysical properties (such as structural, functional, and spatial information, amino acid conservation, physicochemical variation, residue mobility, and thermodynamic stability) has been performed at Invitae for this missense variant, however the output from this modeling did not meet the statistical confidence thresholds required to predict the impact of this variant on WAS protein function. In summary, the available evidence is currently insufficient to determine the role of this variant in disease. Therefore, it has been classified as a Variant of Uncertain Significance.

NM_000377.3(WAS):c.335C>G (p.Pro112Arg)

Gene: WAS (WASP actin nucleation promoting factor; plus strand). Cytogenetic location: Xp11.23.
Variant type: single nucleotide variant.
Coding change: c.335C>G on transcript NM_000377.3 (MANE Select); coding-DNA position 335, C replaced by G.
Protein change: p.Pro112Arg; replaces proline 112 with arginine.
Molecular consequence: missense variant.
Genome position (GRCh38, 1-based): chrX:48,685,608, C>G. VCF-style: chrX-48685608-C-G. GRCh37 (hg19) VCF-style: chrX-48543997-C-G.
Other names: short protein forms P112R.
Identifiers: ClinVar variation 2179171 (VCV002179171.3), dbSNP rs1458417951, ClinGen allele CA412867139.